The following is an entry in ClinVar:

ClinVar aggregate classification (germline): Likely benign (1 of 4 stars; one submission).

gnomAD v4.1: 71 of 1,614,010 alleles (0.0044%); highest among the groups gnomAD compares: Admixed American, 0.027%; no homozygotes.

Submission:

CeGaT Center for Human Genetics Tuebingen
Classification: Likely benign. Last evaluated: 2026-02-01. Review status: criteria provided, single submitter. Criteria: CeGaT Center For Human Genetics Tuebingen Variant Classification Criteria Version 2. Collection method: clinical testing. Allele origin: germline. Affected: yes. Observed: 1 variant allele.
Comment: HECTD4: BP4, BP7

NM_001388303.1(HECTD4):c.11712C>T (p.Pro3904=)

Gene: HECTD4 (HECT domain E3 ubiquitin protein ligase 4; minus strand). Cytogenetic location: 12q24.13.
Variant type: single nucleotide variant.
Coding change: c.11712C>T on transcript NM_001388303.1 (MANE Select); coding-DNA position 11712, C replaced by T.
Protein change: p.Pro3904=; no amino-acid change (proline 3904 retained).
Molecular consequence: synonymous variant.
Genome position (GRCh38, 1-based): chr12:112,172,744, G>A on the plus strand (C>T on the coding strand, the complement: HECTD4 is on the minus strand). VCF-style: chr12-112172744-G-A. GRCh37 (hg19) VCF-style: chr12-112610548-G-A.
Other names: c.11742C>T, p.Pro3914= (NM_001109662.4).
Identifiers: ClinVar variation 4821299 (VCV004821299.4).